The following is an entry in ClinVar:

ClinVar aggregate classification (germline): Uncertain significance (1 of 4 stars; one submission).

Submission:

Labcorp Genetics (formerly Invitae), Labcorp
Classification: Uncertain significance. Last evaluated: 2024-09-26. Review status: criteria provided, single submitter. Criteria: Invitae Variant Classification Sherloc (09022015). Collection method: clinical testing. Allele origin: germline.
Comment: This sequence change replaces serine, which is neutral and polar, with threonine, which is neutral and polar, at codon 307 of the FSCN2 protein (p.Ser307Thr). This variant is present in population databases (no rsID available, gnomAD 0.007%). This variant has not been reported in the literature in individuals affected with FSCN2-related conditions. An algorithm developed to predict the effect of missense changes on protein structure and function (PolyPhen-2) suggests that this variant is likely to be tolerated. In summary, the available evidence is currently insufficient to determine the role of this variant in disease. Therefore, it has been classified as a Variant of Uncertain Significance.

NM_012418.4(FSCN2):c.919T>A (p.Ser307Thr)

Gene: FSCN2 (fascin actin-bundling protein 2, retinal; plus strand). Cytogenetic location: 17q25.3.
Variant type: single nucleotide variant.
Coding change: c.919T>A on transcript NM_012418.4 (MANE Select); coding-DNA position 919, T replaced by A.
Protein change: p.Ser307Thr; replaces serine 307 with threonine.
Molecular consequence: missense variant.
Genome position (GRCh38, 1-based): chr17:81,535,144, T>A. VCF-style: chr17-81535144-T-A. GRCh37 (hg19) VCF-style: chr17-79502170-T-A.
Other names: c.919T>A, p.Ser307Thr (NM_001077182.3); short protein forms S307T.
Identifiers: ClinVar variation 3717710 (VCV003717710.2).
Genomic context (GRCh38, chr17:81,535,144, plus strand): 5'-CTAGACCACGAGACCTTCCTGATGCAAATTGACCAGGAGACAAAGAAGTGCACCTTCTAT[T>A]CCAGCACTGGGGGCTACTGGACCCTGGTCACCCATGGGGGCATTCACGCCACAGCCACAC-3'
Protein context (NP_036550.1, residues 297-317): DQETKKCTFY[Ser307Thr]STGGYWTLVT